The following is an entry in ClinVar:

ClinVar aggregate classification (germline): Pathogenic (1 of 4 stars; one submission).

Submission:

GeneDx
Classification: Pathogenic. Last evaluated: 2016-03-29. Review status: criteria provided, single submitter. Criteria: GeneDx Variant Classification (06012015). Collection method: clinical testing. Allele origin: germline. Affected: yes.
Comment: The c.58delG pathogenic variant in the STX1B gene has not been reported previously as a pathogenic variant nor as a benign variant, to our knowledge. The c.58delG variant causes a frameshift starting with codon Valine 20, changes this amino acid to a Tryptophan residue, and creates a premature Stop codon at position 34 of the new reading frame, denoted p.Val20TrpfsX34. This variant is predicted to cause loss of normal protein function either through protein truncation or nonsense-mediated mRNA decay. The c.58delG variant was not observed in approximately 6,500 individuals of European and African American ancestry in the NHLBI Exome Sequencing Project, indicating it is not a common benign variant in these populations. We interpret c.58delG as a pathogenic variant.

NM_052874.5(STX1B):c.58del (p.Val20fs)

Gene: STX1B (syntaxin 1B; minus strand). Cytogenetic location: 16p11.2.
Variant type: Deletion.
Coding change: c.58del on transcript NM_052874.5 (MANE Select); coding-DNA position 58, one base deleted (G; older notation c.58delG).
Protein change: p.Val20fs; shifts the reading frame from valine 20.
Molecular consequence: frameshift variant.
Genome position (GRCh38, 1-based): chr16:31,001,576, C deleted on the plus strand (G on the coding strand, the reverse complement: STX1B is on the minus strand); the first of 2 consecutive C bases (chr16:31,001,576-31,001,577); deleting either gives the same sequence. VCF-style (leftmost placement, unchanged base first): chr16-31001575-AC-A. GRCh37 (hg19) VCF-style: chr16-31012896-AC-A.
Other names: short protein forms V20fs.
Identifiers: ClinVar variation 280465 (VCV000280465.2), dbSNP rs886041666, ClinGen allele CA10603522.
Genomic context (GRCh38, chr16:31,001,575, plus strand): 5'-TGGAGGCCCATTACCTGTTCAAAGAACTCATCCATGAAGTGGTCCCGATCCACGTGGACC[AC>A]CTCCTCTTCATCATCACTGTCTTTCGCCTGGGGACAAGGAAGGCTGAGTCCATGAGCAGG-3'